The following is an entry in ClinVar:

NM_001004334.4(GPR179):c.3310_3312del (p.Lys1104del)

Gene: GPR179 (G protein-coupled receptor 179; minus strand). Cytogenetic location: 17q12.
Variant type: Deletion.
Coding change: c.3310_3312del on transcript NM_001004334.4 (MANE Select); coding-DNA positions 3310 to 3312, 3 bases deleted (AAG; older notation c.3310_3312delAAG).
Protein change: p.Lys1104del; deletes lysine 1104.
Molecular consequence: inframe deletion.
Genome position (GRCh38, 1-based): chr17:38,330,257-38,330,259, CTT deleted on the plus strand (AAG on the coding strand, the reverse complement: GPR179 is on the minus strand); deleting any 3 consecutive bases within chr17:38,330,257-38,330,261 gives the same sequence; the c. name uses the placement nearest the transcript's 3' end. VCF-style (leftmost placement, unchanged base first): chr17-38330256-CCTT-C. GRCh37 (hg19) VCF-style: chr17-36486139-CCTT-C.
Other names: short protein forms K1104del.
Identifiers: ClinVar variation 323002 (VCV000323002.8), dbSNP rs751393018, ClinGen allele CA10649161.
Genomic context (GRCh38, chr17:38,330,256, plus strand): 5'-CCCCCATACTCTCTCCCGCAGTCCCGCTGTTCTGCCCCTCGGGACTCTCCTCCACACTCT[CCTT>C]CTCTCTGTAGGTGCTCCGAGAACGGGTCAGAGCTTTAATCGCCAGCCCCAGGCTGCGCAT-3'

ClinVar aggregate classification (germline): Uncertain significance. Review status: criteria provided, multiple submitters, no conflicts (2 of 4 stars). 2 submissions from 2 submitters: Uncertain significance (2). Last evaluated 2022-09-27.

Submissions (2):

Blueprint Genetics
Classification: Uncertain significance. Last evaluated: 2022-09-27. Review status: criteria provided, single submitter. Criteria: ACMG Guidelines, 2015. Collection method: clinical testing. Allele origin: germline.

Labcorp Genetics (formerly Invitae), Labcorp
Classification: Uncertain significance. Last evaluated: 2022-05-25. Review status: criteria provided, single submitter. Criteria: Invitae Variant Classification Sherloc (09022015). Collection method: clinical testing. Allele origin: germline.
Comment: This variant, c.3310_3312del, results in the deletion of 1 amino acid(s) of the GPR179 protein (p.Lys1104del), but otherwise preserves the integrity of the reading frame. This variant is present in population databases (rs751393018, gnomAD 0.004%). This variant has not been reported in the literature in individuals affected with GPR179-related conditions. ClinVar contains an entry for this variant (Variation ID: 323002). Experimental studies and prediction algorithms are not available or were not evaluated, and the functional significance of this variant is currently unknown. In summary, the available evidence is currently insufficient to determine the role of this variant in disease. Therefore, it has been classified as a Variant of Uncertain Significance.